The following is an entry in ClinVar:

ClinVar aggregate classification (germline): Uncertain significance. Review status: criteria provided, multiple submitters, no conflicts (2 of 4 stars). 2 submissions from 2 submitters: Uncertain significance (2). Last evaluated 2022-08-02.

Conditions:
Epileptic encephalopathy. Identifiers: MedGen C0543888, HP:0200134.

Allele frequency attached by ClinVar (database versions not stated): gnomAD 0.00001; gnomAD exomes 0.00001; TOPMed 0.00002; ExAC 0.00005.
gnomAD v4.1: 36 of 1,601,208 alleles (0.0022%); highest among the groups gnomAD compares: Non-Finnish European, 0.003%; no homozygotes.

Submissions (2):

Ambry Genetics
Classification: Uncertain significance. Last evaluated: 2022-08-02. Review status: criteria provided, single submitter. Criteria: Ambry Variant Classification Scheme 2023. Collection method: clinical testing. Allele origin: germline.

Labcorp Genetics (formerly Invitae), Labcorp
Classification: Uncertain significance for Epileptic encephalopathy. Last evaluated: 2020-08-10. Review status: criteria provided, single submitter. Criteria: Invitae Variant Classification Sherloc (09022015). Collection method: clinical testing. Allele origin: germline.
Comment: In summary, the available evidence is currently insufficient to determine the role of this variant in disease. Therefore, it has been classified as a Variant of Uncertain Significance. Algorithms developed to predict the effect of missense changes on protein structure and function output the following: SIFT: "Deleterious"; PolyPhen-2: "Probably Damaging"; Align-GVGD: "Class C0". The tryptophan amino acid residue is found in multiple mammalian species, suggesting that this missense change does not adversely affect protein function. These predictions have not been confirmed by published functional studies and their clinical significance is uncertain. This variant has not been reported in the literature in individuals with RYR3-related conditions. This variant is present in population databases (rs753219318, ExAC 0.01%). This sequence change replaces arginine with tryptophan at codon 4376 of the RYR3 protein (p.Arg4376Trp). The arginine residue is moderately conserved and there is a moderate physicochemical difference between arginine and tryptophan.

NM_001036.6(RYR3):c.13126C>T (p.Arg4376Trp)

Gene: RYR3 (ryanodine receptor 3; plus strand). Cytogenetic location: 15q14.
Variant type: single nucleotide variant.
Coding change: c.13126C>T on transcript NM_001036.6 (MANE Select); coding-DNA position 13126, C replaced by T.
Protein change: p.Arg4376Trp; replaces arginine 4376 with tryptophan.
Molecular consequence: missense variant.
Genome position (GRCh38, 1-based): chr15:33,841,952, C>T. VCF-style: chr15-33841952-C-T. GRCh37 (hg19) VCF-style: chr15-34134153-C-T.
Other names: c.13111C>T, p.Arg4371Trp (NM_001243996.4); c.13126C>T (NM_001036.3); short protein forms R4371W, R4376W.
Identifiers: ClinVar variation 1021671 (VCV001021671.11), dbSNP rs753219318, ClinGen allele CA7461556.